The following is an entry in ClinVar:

NM_001165963.4(SCN1A):c.1485G>T (p.Lys495Asn)

Gene: SCN1A (sodium voltage-gated channel alpha subunit 1; minus strand). Cytogenetic location: 2q24.3.
Variant type: single nucleotide variant.
Coding change: c.1485G>T on transcript NM_001165963.4 (MANE Select); coding-DNA position 1485, G replaced by T.
Protein change: p.Lys495Asn; replaces lysine 495 with asparagine.
Molecular consequence: missense variant. On other transcripts: 5 prime UTR variant (1), non-coding transcript variant (1).
Genome position (GRCh38, 1-based): chr2:166,045,220, C>A on the plus strand (G>T on the coding strand, the complement: SCN1A is on the minus strand). VCF-style: chr2-166045220-C-A. GRCh37 (hg19) VCF-style: chr2-166901730-C-A.
Other names: p.K495N:AAG>AAT; c.1485G>T, p.Lys495Asn (NM_001165964.3, NM_001202435.3, NM_001353948.2 and 7 more transcripts); c.1482G>T, p.Lys494Asn (NM_001353954.2, NM_001353955.2, NM_001353960.2); c.-941G>T (NM_001353961.2); short protein forms K495N, K494N.
Identifiers: ClinVar variation 206767 (VCV000206767.6), dbSNP rs201362569, ClinGen allele CA317233.
Genomic context (GRCh38, chr2:166,045,220, plus strand): 5'-TTTCTCTTCCCCACCAGACTGCTCTTTCTGTTTTCTTTTCTTCCTCCGATTTCTTCTTTC[C>A]TTAGCACTCTTGGAACTCAACTTAGAGGCTTCAGATGAGCTGTCTGAGAGCCTGCCTGCT-3'
Protein context (NP_001159435.1, residues 485-505): EASKLSSKSA[Lys495Asn]ERRNRRKKRK

ClinVar aggregate classification (germline): Uncertain significance. Review status: criteria provided, multiple submitters, no conflicts (2 of 4 stars). 2 submissions from 2 submitters: Uncertain significance (2). Last evaluated 2024-08-31.

Conditions:
Early-infantile DEE. Also called: Ohtahara syndrome; Early infantile epileptic encephalopathy; Early infantile epileptic encephalopathy with suppression bursts. Identifiers: Orphanet 1934, MedGen C0393706, MONDO:0800491.

Allele frequency attached by ClinVar (database versions not stated): ExAC 0.00025; gnomAD 0.00001; TOPMed 0.00002.
gnomAD v4.1: 85 of 1,614,004 alleles (0.0053%); highest among the groups gnomAD compares: Non-Finnish European, 0.0047%; no homozygotes.

Submissions (12):

Labcorp Genetics (formerly Invitae), Labcorp
Classification: Uncertain significance for Early-infantile DEE. Last evaluated: 2024-08-31. Review status: criteria provided, single submitter. Criteria: Invitae Variant Classification Sherloc (09022015). Collection method: clinical testing. Allele origin: germline.
Comment: This sequence change replaces lysine, which is basic and polar, with asparagine, which is neutral and polar, at codon 495 of the SCN1A protein (p.Lys495Asn). This variant is present in population databases (rs201362569, gnomAD 0.03%). This variant has not been reported in the literature in individuals affected with SCN1A-related conditions. ClinVar contains an entry for this variant (Variation ID: 206767). Invitae Evidence Modeling of protein sequence and biophysical properties (such as structural, functional, and spatial information, amino acid conservation, physicochemical variation, residue mobility, and thermodynamic stability) indicates that this missense variant is not expected to disrupt SCN1A protein function with a negative predictive value of 95%. In summary, the available evidence is currently insufficient to determine the role of this variant in disease. Therefore, it has been classified as a Variant of Uncertain Significance.

GeneDx
Classification: Uncertain significance. Last evaluated: 2023-08-02. Review status: criteria provided, single submitter. Criteria: GeneDx Variant Classification Process June 2021. Collection method: clinical testing. Allele origin: germline. Affected: yes.
Comment: Missense variants in this gene are often considered pathogenic (HGMD); In silico analysis supports that this missense variant has a deleterious effect on protein structure/function; Has not been previously published as pathogenic or benign to our knowledge; This substitution is predicted to be within the cytoplasmic loop between the first and second homologous domains

Channelopathy-Associated Epilepsy Research Center
No classification provided (evidence only). Review status: no classification provided. Collection method: in vitro. Allele origin: not applicable. Functional consequence: Increase in peak current. Not counted in ClinVar's aggregate classification.

Channelopathy-Associated Epilepsy Research Center
No classification provided (evidence only). Review status: no classification provided. Collection method: in vitro. Allele origin: not applicable. Functional consequence: Normal voltage dependence of activation. Not counted in ClinVar's aggregate classification.

Channelopathy-Associated Epilepsy Research Center
No classification provided (evidence only). Review status: no classification provided. Collection method: in vitro. Allele origin: not applicable. Functional consequence: Normal slope of activation. Not counted in ClinVar's aggregate classification.

Channelopathy-Associated Epilepsy Research Center
No classification provided (evidence only). Review status: no classification provided. Collection method: in vitro. Allele origin: not applicable. Functional consequence: Normal voltage dependence of fast inactivation. Not counted in ClinVar's aggregate classification.

Channelopathy-Associated Epilepsy Research Center
No classification provided (evidence only). Review status: no classification provided. Collection method: in vitro. Allele origin: not applicable. Functional consequence: Normal slope of fast inactivation. Not counted in ClinVar's aggregate classification.

Channelopathy-Associated Epilepsy Research Center
No classification provided (evidence only). Review status: no classification provided. Collection method: in vitro. Allele origin: not applicable. Functional consequence: Normal rate of recovery from fast inactivation. Not counted in ClinVar's aggregate classification.

Channelopathy-Associated Epilepsy Research Center
No classification provided (evidence only). Review status: no classification provided. Collection method: in vitro. Allele origin: not applicable. Functional consequence: Normal current amplitude in use dependence. Not counted in ClinVar's aggregate classification.

Channelopathy-Associated Epilepsy Research Center
No classification provided (evidence only). Review status: no classification provided. Collection method: in vitro. Allele origin: not applicable. Functional consequence: Normal fast inactivation. Not counted in ClinVar's aggregate classification.

Channelopathy-Associated Epilepsy Research Center
No classification provided (evidence only). Review status: no classification provided. Collection method: in vitro. Allele origin: not applicable. Functional consequence: Normal ramp current. Not counted in ClinVar's aggregate classification.

Channelopathy-Associated Epilepsy Research Center
No classification provided (evidence only). Review status: no classification provided. Collection method: in vitro. Allele origin: not applicable. Functional consequence: Normal persistent current. Not counted in ClinVar's aggregate classification.